The following is an entry in ClinVar:

NM_005529.7(HSPG2):c.6100G>T (p.Ala2034Ser)

Gene: HSPG2 (heparan sulfate proteoglycan 2; minus strand). Cytogenetic location: 1p36.12.
Variant type: single nucleotide variant.
Coding change: c.6100G>T on transcript NM_005529.7 (MANE Select); coding-DNA position 6100, G replaced by T.
Protein change: p.Ala2034Ser; replaces alanine 2034 with serine.
Molecular consequence: missense variant.
Genome position (GRCh38, 1-based): chr1:21,854,881, C>A on the plus strand (G>T on the coding strand, the complement: HSPG2 is on the minus strand). VCF-style: chr1-21854881-C-A. GRCh37 (hg19) VCF-style: chr1-22181374-C-A.
Other names: c.6103G>T, p.Ala2035Ser (NM_001291860.2); short protein forms A2034S, A2035S.
Identifiers: ClinVar variation 3691197 (VCV003691197.2).

ClinVar aggregate classification (germline): Uncertain significance (1 of 4 stars; one submission).

gnomAD v4.1: 2 of 1,614,160 alleles (0.00012%); highest among the groups gnomAD compares: Non-Finnish European, 0.00017%; no homozygotes.

Submission:

Labcorp Genetics (formerly Invitae), Labcorp
Classification: Uncertain significance. Last evaluated: 2025-01-30. Review status: criteria provided, single submitter. Criteria: Invitae Variant Classification Sherloc (09022015). Collection method: clinical testing. Allele origin: germline.
Comment: This sequence change replaces alanine, which is neutral and non-polar, with serine, which is neutral and polar, at codon 2034 of the HSPG2 protein (p.Ala2034Ser). This variant is not present in population databases (gnomAD no frequency). This variant has not been reported in the literature in individuals affected with HSPG2-related conditions. An algorithm developed to predict the effect of missense changes on protein structure and function outputs the following: PolyPhen-2: "Benign". The serine amino acid residue is found in multiple mammalian species, which suggests that this missense change does not adversely affect protein function. In summary, the available evidence is currently insufficient to determine the role of this variant in disease. Therefore, it has been classified as a Variant of Uncertain Significance.